The following is an entry in ClinVar:

ClinVar aggregate classification (germline): Uncertain significance (1 of 4 stars; one submission).

Conditions:
Neuropathy, hereditary sensory and autonomic, type 1C. Also called: HSAN IC; HSN IC. Identifiers: Orphanet 36386, MedGen C3150896, MONDO:0013337, OMIM 613640.

Submission:

Labcorp Genetics (formerly Invitae), Labcorp
Classification: Uncertain significance for Neuropathy, hereditary sensory and autonomic, type 1C. Last evaluated: 2020-03-01. Review status: criteria provided, single submitter. Criteria: Invitae Variant Classification Sherloc (09022015). Collection method: clinical testing. Allele origin: germline.
Comment: This sequence change creates a premature translational stop signal (p.Val468Aspfs*34) in the SPTLC2 gene. It is expected to result in an absent or disrupted protein product. This variant is not present in population databases (ExAC no frequency). This variant has not been reported in the literature in individuals with SPTLC2-related conditions. The current clinical and genetic evidence is not sufficient to establish whether loss-of-function variants in SPTLC2 cause disease. In summary, the available evidence is currently insufficient to determine the role of this variant in disease. Therefore, it has been classified as a Variant of Uncertain Significance.

NM_004863.4(SPTLC2):c.1403_1413del (p.Val468fs)

Gene: SPTLC2 (serine palmitoyltransferase long chain base subunit 2; minus strand). Cytogenetic location: 14q24.3.
Variant type: Deletion.
Coding change: c.1403_1413del on transcript NM_004863.4 (MANE Select); coding-DNA positions 1403 to 1413, 11 bases deleted (TAGTGCCTTTG).
Protein change: p.Val468fs; shifts the reading frame from valine 468.
Molecular consequence: frameshift variant.
Genome position (GRCh38, 1-based): chr14:77,521,472-77,521,482, CAAAGGCACTA deleted on the plus strand (TAGTGCCTTTG on the coding strand, the reverse complement: SPTLC2 is on the minus strand); deleting any 11 consecutive bases within chr14:77,521,472-77,521,483 gives the same sequence; the c. name uses the placement nearest the transcript's 3' end. VCF-style (leftmost placement, unchanged base first): chr14-77521471-TCAAAGGCACTA-T. GRCh37 (hg19) VCF-style: chr14-77987814-TCAAAGGCACTA-T.
Other names: short protein forms V468fs.
Identifiers: ClinVar variation 1019974 (VCV001019974.6), dbSNP rs2079384603, ClinGen allele CA487325433.
Genomic context (GRCh38, chr14:77,521,471, plus strand): 5'-GGACAGACTGGTCTGTGATCTGCAACAAAACGTACCCAATTTTGGCAGGCATGTAGAGCA[TCAAAGGCACTA>T]CTGGAGAGTCTTCATTTCCATAGATGATGAAGCCCATCTCTTTCAGGCGTCTCCTGAAAT-3'